The following is an entry in ClinVar:

ClinVar aggregate classification (germline): Uncertain significance (1 of 4 stars; one submission).

Submission:

GeneDx
Classification: Uncertain significance. Last evaluated: 2025-06-06. Review status: criteria provided, single submitter. Criteria: GeneDx Variant Classification Process June 2021. Collection method: clinical testing. Allele origin: germline. Affected: yes.
Comment: Not observed at significant frequency in large population cohorts (gnomAD); In silico analysis supports that this missense variant has a deleterious effect on protein structure/function; Has not been previously published as pathogenic or benign to our knowledge

NM_020719.3(PRR12):c.3980C>A (p.Pro1327His)

Gene: PRR12 (proline rich 12; plus strand). Cytogenetic location: 19q13.33.
Variant type: single nucleotide variant.
Coding change: c.3980C>A on transcript NM_020719.3 (MANE Select); coding-DNA position 3980, C replaced by A.
Protein change: p.Pro1327His; replaces proline 1327 with histidine.
Molecular consequence: missense variant.
Genome position (GRCh38, 1-based): chr19:49,599,573, C>A. VCF-style: chr19-49599573-C-A. GRCh37 (hg19) VCF-style: chr19-50102830-C-A.
Other names: short protein forms P1327H.
Identifiers: ClinVar variation 4537989 (VCV004537989.1).